The following is an entry in ClinVar:

NM_001374504.1(TMPRSS6):c.72G>A (p.Pro24=)

Gene: TMPRSS6 (transmembrane serine protease 6; minus strand). Cytogenetic location: 22q12.3.
Variant type: single nucleotide variant.
Coding change: c.72G>A on transcript NM_001374504.1 (MANE Select); coding-DNA position 72, G replaced by A.
Protein change: p.Pro24=; no amino-acid change (proline 24 retained).
Molecular consequence: synonymous variant.
Genome position (GRCh38, 1-based): chr22:37,103,346, C>T on the plus strand (G>A on the coding strand, the complement: TMPRSS6 is on the minus strand). VCF-style: chr22-37103346-C-T. GRCh37 (hg19) VCF-style: chr22-37499386-C-T.
Other names: p.Pro33=; c.72G>A, p.Pro24= (NM_001289000.2, NM_001289001.2, NM_153609.4).
Identifiers: ClinVar variation 262729 (VCV000262729.26), dbSNP rs11704654, ClinGen allele CA10216207.

ClinVar aggregate classification (germline): Benign/Likely benign. Review status: criteria provided, multiple submitters, no conflicts (2 of 4 stars). 10 submissions from 10 submitters: Benign (7); Likely benign (1). 2 of the submissions do not count toward it. Last evaluated 2026-02-02.

Conditions:
Iron-refractory iron deficiency anemia (IRIDA). Also called: ANEMIA, HYPOCHROMIC MICROCYTIC, WITH DEFECT IN IRON METABOLISM; IRON-HANDLING DISORDER, HEREDITARY; PSEUDO-IRON-DEFICIENCY ANEMIA; IRIDA syndrome. Identifiers: Orphanet 209981, MedGen C0085576, MONDO:0008788, OMIM 206200. Disease mechanism: loss of function.
Microcytic anemia. Identifiers: MedGen C5194182, MONDO:0001245, HP:0001935. Disease mechanism: loss of function.

Allele frequency attached by ClinVar (database versions not stated): 1000 Genomes Project 0.15156; 1000 Genomes Project 30x 0.15194; gnomAD exomes 0.16192 and 0.19133; ExAC 0.16392; TOPMed 0.16704; gnomAD 0.16825 and 0.17025; ESP Exome Variant Server 0.17869.
gnomAD v4.1: 304,803 of 1,614,092 alleles (19%); highest among the groups gnomAD compares: Non-Finnish European, 20%; 29,924 homozygotes.

Submissions (10):

Labcorp Genetics (formerly Invitae), Labcorp
Classification: Benign. Last evaluated: 2026-02-02. Review status: criteria provided, single submitter. Criteria: Invitae Variant Classification Sherloc (09022015). Collection method: clinical testing. Allele origin: germline.

Blueprint Genetics
Classification: Likely benign. Last evaluated: 2024-11-28. Review status: criteria provided, single submitter. Criteria: ACMG Guidelines, 2015. Collection method: clinical testing. Allele origin: germline.

Mayo Clinic Laboratories, Mayo Clinic
Classification: Benign. Last evaluated: 2022-10-21. Review status: criteria provided, single submitter. Criteria: ACMG Guidelines, 2015. Collection method: clinical testing. Allele origin: germline. Observed: 245 variant alleles.

Genome-Nilou Lab
Classification: Benign for Iron-refractory iron deficiency anemia. Last evaluated: 2021-09-10. Review status: criteria provided, single submitter. Criteria: ACMG Guidelines, 2015. Collection method: clinical testing. Allele origin: germline. Affected: no.

GeneDx
Classification: Benign. Last evaluated: 2018-11-12. Review status: criteria provided, single submitter. Criteria: GeneDx Variant Classification Process June 2021. Collection method: clinical testing. Allele origin: germline. Affected: yes.

Illumina Laboratory Services, Illumina
Classification: Benign for Iron-refractory iron deficiency anemia. Last evaluated: 2018-01-13. Review status: criteria provided, single submitter. Criteria: ICSL Variant Classification Criteria 13 December 2019. Collection method: clinical testing. Allele origin: germline.
Comment: This variant was observed in the ICSL laboratory as part of a predisposition screen in an ostensibly healthy population. It had not been previously curated by ICSL or reported in the Human Gene Mutation Database (HGMD: prior to June 1st, 2018), and was therefore a candidate for classification through an automated scoring system. Utilizing variant allele frequency, disease prevalence and penetrance estimates, and inheritance mode, an automated score was calculated to assess if this variant is too frequent to cause the disease. Based on the score and internal cut-off values, a variant classified as benign is not then subjected to further curation. The score for this variant resulted in a classification of benign for this disease.

Breakthrough Genomics
Classification: Benign. Review status: criteria provided, single submitter. Criteria: ACMG Guidelines, 2015. Collection method: not provided. Allele origin: germline. Inheritance: Autosomal recessive inheritance. Affected: yes.

PreventionGenetics, part of Exact Sciences
Classification: Benign. Review status: criteria provided, single submitter. Criteria: ACMG Guidelines, 2015. Collection method: clinical testing. Allele origin: germline.

Diagnostic Laboratory, Department of Genetics, University Medical Center Groningen
Classification: Benign. Review status: no assertion criteria provided. Collection method: clinical testing. Allele origin: germline. Affected: yes. Study: VKGL Data-share Consensus. Not counted in ClinVar's aggregate classification.

Joint Genome Diagnostic Labs from Nijmegen and Maastricht, Radboudumc and MUMC+
Classification: Benign. Review status: no assertion criteria provided. Collection method: clinical testing. Allele origin: germline. Affected: yes. Study: VKGL Data-share Consensus. Not counted in ClinVar's aggregate classification.